The following is an entry in ClinVar:

NM_206933.4(USH2A):c.3666G>A (p.Ala1222=)

Genes: USH2A (usherin; minus strand), USH2A-AS1 (USH2A antisense RNA 1; plus strand). Cytogenetic location: 1q41.
Variant type: single nucleotide variant.
Coding change: c.3666G>A on transcript NM_206933.4 (MANE Select); coding-DNA position 3666, G replaced by A.
Protein change: p.Ala1222=; no amino-acid change (alanine 1222 retained).
Molecular consequence: synonymous variant.
Genome position (GRCh38, 1-based): chr1:216,199,772, C>T on the plus strand (G>A on the coding strand, the complement: USH2A is on the minus strand). VCF-style: chr1-216199772-C-T. GRCh37 (hg19) VCF-style: chr1-216373114-C-T.
Other names: c.3666G>A, p.Ala1222= (NM_007123.6).
Identifiers: ClinVar variation 755320 (VCV000755320.17), dbSNP rs764479854, ClinGen allele CA1395946.
Genomic context (GRCh38, chr1:216,199,772, plus strand): 5'-AGGGGCCTGGGCTGTGGTCACTGTAATGGGCAAGCTGTGTAAACAGCCCCCGCTAGTACA[C>T]GCCTGTACAGAAAAATCGTACTTGGCAAATGGAACCAGATTCCAGATGGTAGCTGAGGTT-3'
Protein context (NP_996816.3, residues 1212-1232): PFAKYDFSVQ[Ala1222=]CTSGGCLHSL

ClinVar aggregate classification (germline): Conflicting classifications of pathogenicity. Review status: criteria provided, conflicting classifications (1 of 4 stars). 5 submissions from 5 submitters: Uncertain significance (1); Likely benign (2). 2 of the submissions do not count toward it. Last evaluated 2025-12-16.

Conditions:
Usher syndrome type 2A. Also called: RETINAL DISEASE IN USHER SYNDROME TYPE IIA, MODIFIER OF; USHER SYNDROME, TYPE IIA. Identifiers: Orphanet 231178, Orphanet 886, MedGen C1848634, MONDO:0010169, OMIM 276901.
USH2A-related disorder. Also called: USH2A-related disorders; USH2A-related condition. Identifiers: MedGen CN239332.

Allele frequency attached by ClinVar (database versions not stated): gnomAD exomes 0.00004 and 0.00002; TOPMed 0.00004; ExAC 0.00002; gnomAD 0.00002.
gnomAD v4.1: 44 of 1,613,988 alleles (0.0027%); highest among the groups gnomAD compares: East Asian, 0.027%; no homozygotes.

Submissions (5):

Labcorp Genetics (formerly Invitae), Labcorp
Classification: Likely benign. Last evaluated: 2025-12-16. Review status: criteria provided, single submitter. Criteria: Invitae Variant Classification Sherloc (09022015). Collection method: clinical testing. Allele origin: germline.

Blueprint Genetics
Classification: Likely benign. Last evaluated: 2022-07-13. Review status: criteria provided, single submitter. Criteria: ACMG Guidelines, 2015. Collection method: clinical testing. Allele origin: germline.

Revvity Omics, Revvity
Classification: Uncertain significance. Last evaluated: 2020-03-23. Review status: criteria provided, single submitter. Criteria: ACMG Guidelines, 2015. Collection method: clinical testing. Allele origin: germline.

PreventionGenetics, part of Exact Sciences
Classification: Likely benign for USH2A-related condition. Last evaluated: 2024-08-05. Review status: no assertion criteria provided. Collection method: clinical testing. Allele origin: germline. Not counted in ClinVar's aggregate classification.
Comment: This variant is classified as likely benign based on ACMG/AMP sequence variant interpretation guidelines (Richards et al. 2015 PMID: 25741868, with internal and published modifications).

Natera, Inc.
Classification: Likely benign for Usher syndrome type 2A. Last evaluated: 2020-04-30. Review status: no assertion criteria provided. Collection method: clinical testing. Allele origin: germline. Not counted in ClinVar's aggregate classification.